The following is an entry in ClinVar:

ClinVar aggregate classification (germline): Uncertain significance. Review status: criteria provided, multiple submitters, no conflicts (2 of 4 stars). 3 submissions from 3 submitters: Uncertain significance (3). Last evaluated 2022-06-04.

Conditions:
Encephalopathy, acute, infection-induced (herpes-specific), susceptibility to, 6. Also called: Herpes simplex encephalitis, susceptibility to, 4. Identifiers: Orphanet 1930, MedGen C3553869, MONDO:0013921, OMIM 614850.

Allele frequency attached by ClinVar (database versions not stated): gnomAD 0.00003; TOPMed 0.00003; 1000 Genomes Project 30x 0.00016; ExAC 0.00002; gnomAD exomes 0.00004.

Submissions (3):

Labcorp Genetics (formerly Invitae), Labcorp
Classification: Uncertain significance for Encephalopathy, acute, infection-induced (herpes-specific), susceptibility to, 6. Last evaluated: 2022-06-04. Review status: criteria provided, single submitter. Criteria: Invitae Variant Classification Sherloc (09022015). Collection method: clinical testing. Allele origin: germline.
Comment: This sequence change replaces glutamine, which is neutral and polar, with arginine, which is basic and polar, at codon 312 of the TICAM1 protein (p.Gln312Arg). This variant is present in population databases (rs763590950, gnomAD 0.08%). In summary, the available evidence is currently insufficient to determine the role of this variant in disease. Therefore, it has been classified as a Variant of Uncertain Significance. Algorithms developed to predict the effect of missense changes on protein structure and function output the following: SIFT: "Tolerated"; PolyPhen-2: "Benign"; Align-GVGD: "Class C0". The arginine amino acid residue is found in multiple mammalian species, which suggests that this missense change does not adversely affect protein function. ClinVar contains an entry for this variant (Variation ID: 580273). This variant has not been reported in the literature in individuals affected with TICAM1-related conditions.

Fulgent Genetics
Classification: Uncertain significance for Encephalopathy, acute, infection-induced (herpes-specific), susceptibility to, 6. Last evaluated: 2021-10-13. Review status: criteria provided, single submitter. Criteria: ACMG Guidelines, 2015. Collection method: clinical testing. Allele origin: unknown.

Ambry Genetics
Classification: Uncertain significance. Last evaluated: 2021-10-05. Review status: criteria provided, single submitter. Criteria: Ambry Variant Classification Scheme 2023. Collection method: clinical testing. Allele origin: germline.

NM_182919.4(TICAM1):c.935A>G (p.Gln312Arg)

Gene: TICAM1 (TIR domain containing adaptor molecule 1; minus strand). Cytogenetic location: 19p13.3.
Variant type: single nucleotide variant.
Coding change: c.935A>G on transcript NM_182919.4 (MANE Select); coding-DNA position 935, A replaced by G.
Protein change: p.Gln312Arg; replaces glutamine 312 with arginine.
Molecular consequence: missense variant.
Genome position (GRCh38, 1-based): chr19:4,817,443, T>C on the plus strand (A>G on the coding strand, the complement: TICAM1 is on the minus strand). VCF-style: chr19-4817443-T-C. GRCh37 (hg19) VCF-style: chr19-4817455-T-C.
Other names: c.893A>G, p.Gln298Arg (NM_001385678.1); c.800A>G, p.Gln267Arg (NM_001385679.1); c.293A>G, p.Gln98Arg (NM_001385680.1); c.935A>G (NM_182919.2); short protein forms Q312R, Q267R, Q298R, Q98R.
Identifiers: ClinVar variation 580273 (VCV000580273.12), dbSNP rs763590950, ClinGen allele CA9105245.
Genomic context (GRCh38, chr19:4,817,443, plus strand): 5'-GTCTGGTCTTTGACAGAGCAGGGGTTTTTGACCGGCTCCAGAATAGGCAAGGGGAGAGAC[T>C]GGGGGCCTGCAGACCCCTCGGTGCACTCCACTGGGTAGTTGGTGCTGGTTTCTGGAGCTG-3'
Protein context (NP_891549.1, residues 302-322): VECTEGSAGP[Gln312Arg]SLPLPILEPV